The following is an entry in ClinVar:

ClinVar aggregate classification (germline): Uncertain significance. Review status: criteria provided, multiple submitters, no conflicts (2 of 4 stars). 3 submissions from 3 submitters: Uncertain significance (3). Last evaluated 2025-06-22.

Conditions:
Inborn genetic diseases. Identifiers: MedGen C0950123, MeSH D030342.
Hereditary sensory neuropathy-deafness-dementia syndrome. Also called: HSN IE; Hereditary sensory neuropathy type IE; NEUROPATHY, HEREDITARY SENSORY, WITH HEARING LOSS AND DEMENTIA; Hereditary Sensory and Autonomic Neuropathy Type 1E (HSAN1E). Identifiers: Orphanet 456318, MedGen C3279885, MONDO:0013584, OMIM 614116.

Allele frequency attached by ClinVar (database versions not stated): gnomAD 0.00001; TOPMed 0.00001; ExAC 0.00002; gnomAD exomes 0.00002.
gnomAD v4.1: 14 of 1,613,850 alleles (0.00087%); highest among the groups gnomAD compares: Non-Finnish European, 0.0012%; no homozygotes.

Submissions (3):

Labcorp Genetics (formerly Invitae), Labcorp
Classification: Uncertain significance for Hereditary sensory neuropathy-deafness-dementia syndrome. Last evaluated: 2025-06-22. Review status: criteria provided, single submitter. Criteria: Invitae Variant Classification Sherloc (09022015). Collection method: clinical testing. Allele origin: germline.
Comment: This sequence change replaces serine, which is neutral and polar, with threonine, which is neutral and polar, at codon 225 of the DNMT1 protein (p.Ser225Thr). This variant is present in population databases (rs758761731, gnomAD 0.004%). This variant has not been reported in the literature in individuals affected with DNMT1-related conditions. ClinVar contains an entry for this variant (Variation ID: 1516727). An algorithm developed to predict the effect of missense changes on protein structure and function outputs the following: PolyPhen-2: "Benign". The threonine amino acid residue is found in multiple mammalian species, which suggests that this missense change does not adversely affect protein function. In summary, the available evidence is currently insufficient to determine the role of this variant in disease. Therefore, it has been classified as a Variant of Uncertain Significance.

Women's Health and Genetics/Laboratory Corporation of America, LabCorp
Classification: Uncertain significance. Last evaluated: 2024-09-11. Review status: criteria provided, single submitter. Criteria: LabCorp Variant Classification Summary - May 2015. Collection method: clinical testing. Allele origin: germline.
Comment: Variant summary: DNMT1 c.673T>A (p.Ser225Thr) results in a conservative amino acid change in the encoded protein sequence. Five of five in-silico tools predict a benign effect of the variant on protein function. The variant allele was found at a frequency of 2e-05 in 251478 control chromosomes. The available data on variant occurrences in the general population are insufficient to allow any conclusion about variant significance. To our knowledge, no occurrence of c.673T>A in individuals affected with Hereditary Sensory Neuropathy-Deafness Syndrome and no experimental evidence demonstrating its impact on protein function have been reported. ClinVar contains an entry for this variant (Variation ID: 1516727). Based on the evidence outlined above, the variant was classified as uncertain significance.

Ambry Genetics
Classification: Uncertain significance for Inborn genetic diseases. Last evaluated: 2021-03-08. Review status: criteria provided, single submitter. Criteria: Ambry Variant Classification Scheme 2023. Collection method: clinical testing. Allele origin: germline.
Comment: The p.S209T variant (also known as c.625T>A), located in coding exon 7 of the DNMT1 gene, results from a T to A substitution at nucleotide position 625. The serine at codon 209 is replaced by threonine, an amino acid with similar properties. This amino acid position is well conserved in available vertebrate species; however, threonine is the reference amino acid in other vertebrate species. In addition, this alteration is predicted to be tolerated by in silico analysis. Since supporting evidence is limited at this time, the clinical significance of this alteration remains unclear.

NM_001130823.3(DNMT1):c.673T>A (p.Ser225Thr)

Gene: DNMT1 (DNA methyltransferase 1; minus strand). Cytogenetic location: 19p13.2.
Variant type: single nucleotide variant.
Coding change: c.673T>A on transcript NM_001130823.3 (MANE Select); coding-DNA position 673, T replaced by A.
Protein change: p.Ser225Thr; replaces serine 225 with threonine.
Molecular consequence: missense variant.
Genome position (GRCh38, 1-based): chr19:10,173,881, A>T on the plus strand (T>A on the coding strand, the complement: DNMT1 is on the minus strand). VCF-style: chr19-10173881-A-T. GRCh37 (hg19) VCF-style: chr19-10284557-A-T.
Other names: c.625T>A, p.Ser209Thr (NM_001318730.2, NM_001379.4); c.310T>A, p.Ser104Thr (NM_001318731.2); short protein forms S104T, S209T, S225T.
Identifiers: ClinVar variation 1516727 (VCV001516727.11), dbSNP rs758761731, ClinGen allele CA9188660.